The following is an entry in ClinVar:

ClinVar aggregate classification (germline): Uncertain significance (1 of 4 stars; one submission).

Conditions:
Encephalopathy, acute, infection-induced (herpes-specific), susceptibility to, 6. Also called: Herpes simplex encephalitis, susceptibility to, 4. Identifiers: Orphanet 1930, MedGen C3553869, MONDO:0013921, OMIM 614850.

Allele frequency attached by ClinVar (database versions not stated): gnomAD exomes below 0.00001; gnomAD 0.00001.

Submission:

Labcorp Genetics (formerly Invitae), Labcorp
Classification: Uncertain significance for Encephalopathy, acute, infection-induced (herpes-specific), susceptibility to, 6. Last evaluated: 2022-06-11. Review status: criteria provided, single submitter. Criteria: Invitae Variant Classification Sherloc (09022015). Collection method: clinical testing. Allele origin: germline.
Comment: Algorithms developed to predict the effect of missense changes on protein structure and function are either unavailable or do not agree on the potential impact of this missense change (SIFT: "Tolerated"; PolyPhen-2: "Possibly Damaging"; Align-GVGD: "Class C0"). This variant has not been reported in the literature in individuals affected with TICAM1-related conditions. The frequency data for this variant in the population databases is considered unreliable, as metrics indicate poor data quality at this position in the gnomAD database. In summary, the available evidence is currently insufficient to determine the role of this variant in disease. Therefore, it has been classified as a Variant of Uncertain Significance. This sequence change replaces proline, which is neutral and non-polar, with threonine, which is neutral and polar, at codon 89 of the TICAM1 protein (p.Pro89Thr).

NM_182919.4(TICAM1):c.265C>A (p.Pro89Thr)

Gene: TICAM1 (TIR domain containing adaptor molecule 1; minus strand). Cytogenetic location: 19p13.3.
Variant type: single nucleotide variant.
Coding change: c.265C>A on transcript NM_182919.4 (MANE Select); coding-DNA position 265, C replaced by A.
Protein change: p.Pro89Thr; replaces proline 89 with threonine.
Molecular consequence: missense variant. On other transcripts: intron variant (1).
Genome position (GRCh38, 1-based): chr19:4,818,113, G>T on the plus strand (C>A on the coding strand, the complement: TICAM1 is on the minus strand). VCF-style: chr19-4818113-G-T. GRCh37 (hg19) VCF-style: chr19-4818125-G-T.
Other names: c.223C>A, p.Pro75Thr (NM_001385678.1); c.130C>A, p.Pro44Thr (NM_001385679.1); c.-72+271C>A (NM_001385680.1); short protein forms P75T, P89T, P44T.
Identifiers: ClinVar variation 2151977 (VCV002151977.4), dbSNP rs1317469292, ClinGen allele CA403493094.